The following is an entry in ClinVar:

NM_001282933.2(ZNF341):c.2252C>T (p.Ala751Val)

Genes: ZNF341 (zinc finger protein 341; plus strand), ZNF341-AS1 (ZNF341 antisense RNA 1; minus strand). Cytogenetic location: 20q11.22.
Variant type: single nucleotide variant.
Coding change: c.2252C>T on transcript NM_001282933.2 (MANE Select); coding-DNA position 2252, C replaced by T.
Protein change: p.Ala751Val; replaces alanine 751 with valine.
Molecular consequence: missense variant. On other transcripts: non-coding transcript variant (1).
Genome position (GRCh38, 1-based): chr20:33,791,204, C>T. VCF-style: chr20-33791204-C-T. GRCh37 (hg19) VCF-style: chr20-32379010-C-T.
Other names: c.1982C>T, p.Ala661Val (NM_001282935.2); c.2231C>T, p.Ala744Val (NM_032819.5); short protein forms A744V, A751V, A661V.
Identifiers: ClinVar variation 2972463 (VCV002972463.3), dbSNP rs1472261280, ClinGen allele CA408642182.
Genomic context (GRCh38, chr20:33,791,204, plus strand): 5'-GTCGTCTCGGCCCCCAAAAGGACAAGGACCTGCAAACCCGGCGGCCCCCCCAGAGGAGGG[C>T]AGCCCCCCGCAGTTGCGGCAGTGGTGGGCGCAAGGTGCTGACCCCCTTGCCTGACCCGCT-3'
Protein context (NP_001269862.1, residues 741-761): LQTRRPPQRR[Ala751Val]APRSCGSGGR

ClinVar aggregate classification (germline): Uncertain significance (1 of 4 stars; one submission).

Allele frequency attached by ClinVar (database versions not stated): TOPMed below 0.00001.
gnomAD v4.1: 22 of 1,612,476 alleles (0.0014%); highest among the groups gnomAD compares: Admixed American, 0.0033%; no homozygotes.

Submission:

Labcorp Genetics (formerly Invitae), Labcorp
Classification: Uncertain significance. Last evaluated: 2023-05-05. Review status: criteria provided, single submitter. Criteria: Invitae Variant Classification Sherloc (09022015). Collection method: clinical testing. Allele origin: germline.
Comment: In summary, the available evidence is currently insufficient to determine the role of this variant in disease. Therefore, it has been classified as a Variant of Uncertain Significance. An algorithm developed to predict the effect of missense changes on protein structure and function (PolyPhen-2) suggests that this variant is likely to be tolerated. This variant has not been reported in the literature in individuals affected with ZNF341-related conditions. This variant is present in population databases (no rsID available, gnomAD 0.003%). This sequence change replaces alanine, which is neutral and non-polar, with valine, which is neutral and non-polar, at codon 744 of the ZNF341 protein (p.Ala744Val).